The following is an entry in ClinVar:

NM_006096.4(NDRG1):c.756-5C>T

Genes: NDRG1 (N-myc downstream regulated 1; minus strand), LOC126860531 (CDK7 strongly-dependent group 2 enhancer GRCh37_chr8:134259869-134261068; plus strand). Cytogenetic location: 8q24.22.
Variant type: single nucleotide variant.
Coding change: c.756-5C>T on transcript NM_006096.4 (MANE Select); 5 bases into the intron before coding-DNA position 756, C replaced by T.
Molecular consequence: intron variant.
Genome position (GRCh38, 1-based): chr8:133,247,931, G>A on the plus strand (C>T on the coding strand, the complement: NDRG1 is on the minus strand). VCF-style: chr8-133247931-G-A. GRCh37 (hg19) VCF-style: chr8-134260174-G-A.
Other names: p.?; c.558-5C>T (NM_001258432.2, NM_001374847.1); c.513-5C>T (NM_001258433.2); c.807-5C>T (NM_001374844.1); c.756-5C>T (NM_001135242.2, NM_001374845.1, NM_001374846.1).
Identifiers: ClinVar variation 138434 (VCV000138434.23), dbSNP rs2227262, ClinGen allele CA292417.

ClinVar aggregate classification (germline): Benign. Review status: criteria provided, multiple submitters, no conflicts (2 of 4 stars). 10 submissions from 10 submitters: Benign (9). 1 of the submissions does not count toward it. Last evaluated 2026-02-04.

Conditions:
Charcot-Marie-Tooth disease. Also called: Charcot-Marie-Tooth Hereditary Neuropathy; Charcot-Marie-Tooth Neuropathy. Identifiers: Orphanet 166, MedGen C0007959, MONDO:0015626.
Charcot-Marie-Tooth disease type 4. Also called: Charcot-Marie-Tooth disease, type IV; Charcot-Marie-Tooth, Type 4. Identifiers: Orphanet 64749, MedGen C4082197, MONDO:0018995.
Charcot-Marie-Tooth disease type 4D. Also called: CHARCOT-MARIE-TOOTH DISEASE, DEMYELINATING, TYPE 4D; CHARCOT-MARIE-TOOTH DISEASE, DEMYELINATING, AUTOSOMAL RECESSIVE, TYPE 4D; Charcot-Marie-Tooth Neuropathy Type 4D; NEUROPATHY, HEREDITARY MOTOR AND SENSORY, LOM TYPE. Identifiers: Orphanet 99950, MedGen C1832334, MONDO:0011085, OMIM 601455.

Allele frequency attached by ClinVar (database versions not stated): 1000 Genomes Project 30x 0.09931; 1000 Genomes Project 0.10423; TOPMed 0.10624; gnomAD 0.11176 and 0.11532; ESP Exome Variant Server 0.11210; ExAC 0.13681; gnomAD exomes 0.13935.
gnomAD v4.1: 236,431 of 1,613,166 alleles (15%); highest among the groups gnomAD compares: South Asian, 19%; 18,280 homozygotes.

Submissions (10):

Labcorp Genetics (formerly Invitae), Labcorp
Classification: Benign for Charcot-Marie-Tooth disease type 4. Last evaluated: 2026-02-04. Review status: criteria provided, single submitter. Criteria: Invitae Variant Classification Sherloc (09022015). Collection method: clinical testing. Allele origin: germline.

Mayo Clinic Laboratories, Mayo Clinic
Classification: Benign. Last evaluated: 2022-11-10. Review status: criteria provided, single submitter. Criteria: ACMG Guidelines, 2015. Collection method: clinical testing. Allele origin: germline. Observed: 588 variant alleles.

Genome-Nilou Lab
Classification: Benign for Charcot-Marie-Tooth disease type 4D. Last evaluated: 2021-07-10. Review status: criteria provided, single submitter. Criteria: ACMG Guidelines, 2015. Collection method: clinical testing. Allele origin: germline. Affected: no.

Illumina Laboratory Services, Illumina
Classification: Benign for Charcot-Marie-Tooth disease type 4D. Last evaluated: 2018-01-13. Review status: criteria provided, single submitter. Criteria: ICSL Variant Classification Criteria 13 December 2019. Collection method: clinical testing. Allele origin: germline.
Comment: This variant was observed in the ICSL laboratory as part of a predisposition screen in an ostensibly healthy population. It had not been previously curated by ICSL or reported in the Human Gene Mutation Database (HGMD: prior to June 1st, 2018), and was therefore a candidate for classification through an automated scoring system. Utilizing variant allele frequency, disease prevalence and penetrance estimates, and inheritance mode, an automated score was calculated to assess if this variant is too frequent to cause the disease. Based on the score and internal cut-off values, a variant classified as benign is not then subjected to further curation. The score for this variant resulted in a classification of benign for this disease.

Athena Diagnostics
Classification: Benign. Last evaluated: 2017-07-12. Review status: criteria provided, single submitter. Criteria: Athena Diagnostics Criteria. Collection method: clinical testing. Allele origin: germline.

GeneDx
Classification: Benign. Last evaluated: 2014-05-15. Review status: criteria provided, single submitter. Criteria: GeneDx Variant Classification (06012015). Collection method: clinical testing. Allele origin: germline. Affected: yes.
Comment: This variant is considered likely benign or benign based on one or more of the following criteria: it is a conservative change, it occurs at a poorly conserved position in the protein, it is predicted to be benign by multiple in silico algorithms, and/or has population frequency not consistent with disease.

Breakthrough Genomics
Classification: Benign. Review status: criteria provided, single submitter. Criteria: ACMG Guidelines, 2015. Collection method: not provided. Allele origin: germline. Inheritance: Autosomal recessive inheritance. Affected: yes.

Molecular Genetics Laboratory, London Health Sciences Centre
Classification: Benign for Charcot-Marie-Tooth disease. Review status: criteria provided, single submitter. Criteria: ACMG Guidelines, 2015. Collection method: clinical testing. Allele origin: germline. Affected: yes.

PreventionGenetics, part of Exact Sciences
Classification: Benign. Review status: criteria provided, single submitter. Criteria: ACMG Guidelines, 2015. Collection method: clinical testing. Allele origin: germline.

Natera, Inc.
Classification: Benign for Charcot-Marie-Tooth disease type 4. Last evaluated: 2020-09-16. Review status: no assertion criteria provided. Collection method: clinical testing. Allele origin: germline. Not counted in ClinVar's aggregate classification.